The following is an entry in ClinVar:

NM_001113378.2(FANCI):c.2T>C (p.Met1Thr)

Gene: FANCI (FA complementation group I; plus strand). Cytogenetic location: 15q26.1.
Variant type: single nucleotide variant.
Coding change: c.2T>C on transcript NM_001113378.2 (MANE Select); coding-DNA position 2, T replaced by C.
Protein change: p.Met1Thr; changes the start codon (methionine 1).
Molecular consequence: missense variant, initiator codon variant. On other transcripts: 5 prime UTR variant (1).
Genome position (GRCh38, 1-based): chr15:89,247,649, T>C. VCF-style: chr15-89247649-T-C. GRCh37 (hg19) VCF-style: chr15-89790880-T-C.
Other names: 2T-C; c.-273T>C (NM_001376910.1); c.2T>C, p.Met1Thr (NM_001376911.1, NM_018193.3); short protein forms M1T.
Identifiers: ClinVar variation 929712 (VCV000929712.3), dbSNP rs2052048258, ClinGen allele CA393736267.

ClinVar aggregate classification (germline): Pathogenic. Review status: no assertion criteria provided (0 of 4 stars). 2 submissions from 2 submitters: Pathogenic (2). Last evaluated 2011-02-07.

Conditions:
Fanconi anemia complementation group I (FANCI). Also called: FANCI-Related Fanconi Anemia. Identifiers: Orphanet 84, MedGen C1836861, MONDO:0012186, OMIM 609053.

Submissions (2):

Leiden Open Variation Database
Classification: Pathogenic for Fanconi anemia complementation group I. Last evaluated: 2011-02-07. Review status: no assertion criteria provided. Collection method: curation. Allele origin: germline. Affected: yes.
Comment: Curator: Arleen D. Auerbach. Submitter to LOVD: Arleen D. Auerbach.

OMIM
Classification: Pathogenic for FANCONI ANEMIA, COMPLEMENTATION GROUP I. Last evaluated: 2007-06-01. Review status: no assertion criteria provided. Collection method: literature only. Allele origin: germline.

Literature cited by the submitters: PubMed 17452773 (cited by Leiden Open Variation Database and OMIM); PubMed 17460694 (cited by Leiden Open Variation Database and OMIM).